The following is an entry in ClinVar:

NM_002471.4(MYH6):c.940G>A (p.Val314Met)

Gene: MYH6 (myosin heavy chain 6; minus strand). Cytogenetic location: 14q11.2.
Variant type: single nucleotide variant.
Coding change: c.940G>A on transcript NM_002471.4 (MANE Select); coding-DNA position 940, G replaced by A.
Protein change: p.Val314Met; replaces valine 314 with methionine.
Molecular consequence: missense variant.
Genome position (GRCh38, 1-based): chr14:23,402,759, C>T on the plus strand (G>A on the coding strand, the complement: MYH6 is on the minus strand). VCF-style: chr14-23402759-C-T. GRCh37 (hg19) VCF-style: chr14-23871968-C-T.
Other names: short protein forms V314M.
Identifiers: ClinVar variation 845371 (VCV000845371.13), dbSNP rs1260228019, ClinGen allele CA389027086.
Genomic context (GRCh38, chr14:23,402,759, plus strand): 5'-CGGTGGCCATGAGCTCCTCGGAGTCATCAATGGAGGCCACGGACACCTCTCCCTGAGACA[C>T]GAAGGCGTAGTCGTAGGGATTGTTGGTGACCAGCAGCATGTCTGCACCAGGCAAGGGGTG-3'
Protein context (NP_002462.2, residues 304-324): VTNNPYDYAF[Val314Met]SQGEVSVASI

ClinVar aggregate classification (germline): Uncertain significance. Review status: criteria provided, multiple submitters, no conflicts (2 of 4 stars). 5 submissions from 3 submitters: Uncertain significance (5). Last evaluated 2025-11-26.

Conditions:
MYH6-related cardiac defects.
Hypertrophic cardiomyopathy 14. Identifiers: MedGen C2750467, MONDO:0013197, OMIM 613251.
Atrial septal defect 3 (ASD3). Identifiers: Orphanet 1478, MedGen C3279790, MONDO:0013567, OMIM 614089.
Dilated cardiomyopathy 1EE (CMD1EE). Identifiers: Orphanet 154, MedGen C2750466, MONDO:0013198, OMIM 613252.
Cardiovascular phenotype. Identifiers: MedGen CN230736.

Allele frequency attached by ClinVar (database versions not stated): gnomAD 0.00001; gnomAD exomes 0.00001 and 0.00002.

Submissions (5):

Ambry Genetics
Classification: Uncertain significance for Cardiovascular phenotype. Last evaluated: 2025-11-26. Review status: criteria provided, single submitter. Criteria: Ambry Variant Classification Scheme 2023. Collection method: clinical testing. Allele origin: germline.

Labcorp Genetics (formerly Invitae), Labcorp
Classification: Uncertain significance for Hypertrophic cardiomyopathy 14. Last evaluated: 2025-09-15. Review status: criteria provided, single submitter. Criteria: Invitae Variant Classification Sherloc (09022015). Collection method: clinical testing. Allele origin: germline.
Comment: This sequence change replaces valine, which is neutral and non-polar, with methionine, which is neutral and non-polar, at codon 314 of the MYH6 protein (p.Val314Met). This variant is present in population databases (no rsID available, gnomAD 0.004%). This variant has not been reported in the literature in individuals affected with MYH6-related conditions. ClinVar contains an entry for this variant (Variation ID: 845371). Invitae Evidence Modeling of protein sequence and biophysical properties (such as structural, functional, and spatial information, amino acid conservation, physicochemical variation, residue mobility, and thermodynamic stability) indicates that this missense variant is not expected to disrupt MYH6 protein function with a negative predictive value of 80%. In summary, the available evidence is currently insufficient to determine the role of this variant in disease. Therefore, it has been classified as a Variant of Uncertain Significance.

Baylor Genetics
Classification: Uncertain significance for Dilated cardiomyopathy 1EE. Last evaluated: 2023-12-12. Review status: criteria provided, single submitter. Criteria: ACMG Guidelines, 2015. Collection method: clinical testing. Allele origin: unknown.

Baylor Genetics
Classification: Uncertain significance for Atrial septal defect 3. Last evaluated: 2023-12-12. Review status: criteria provided, single submitter. Criteria: ACMG Guidelines, 2015. Collection method: clinical testing. Allele origin: unknown.

Baylor Genetics
Classification: Uncertain significance for MYH6-related cardiac defects. Last evaluated: 2023-12-12. Review status: criteria provided, single submitter. Criteria: ACMG Guidelines, 2015. Collection method: clinical testing. Allele origin: unknown.